The following is an entry in ClinVar:

NM_004260.4(RECQL4):c.2631C>G (p.Tyr877Ter)

Gene: RECQL4 (RecQ like helicase 4; minus strand). Cytogenetic location: 8q24.3.
Variant type: single nucleotide variant.
Coding change: c.2631C>G on transcript NM_004260.4 (MANE Select); coding-DNA position 2631, C replaced by G.
Protein change: p.Tyr877Ter; replaces tyrosine 877 with a stop codon.
Molecular consequence: nonsense.
Genome position (GRCh38, 1-based): chr8:144,512,971, G>C on the plus strand (C>G on the coding strand, the complement: RECQL4 is on the minus strand). VCF-style: chr8-144512971-G-C. GRCh37 (hg19) VCF-style: chr8-145738354-G-C.
Other names: short protein forms Y877*.
Identifiers: ClinVar variation 1070117 (VCV001070117.5), dbSNP rs762591075, ClinGen allele CA372676778.

ClinVar aggregate classification (germline): Pathogenic (1 of 4 stars; one submission).

Conditions:
Baller-Gerold syndrome (BGS). Also called: CRANIOSYNOSTOSIS WITH RADIAL DEFECTS. Identifiers: Orphanet 1225, MedGen C0265308, MONDO:0009039, OMIM 218600.

Submission:

Labcorp Genetics (formerly Invitae), Labcorp
Classification: Pathogenic for Baller-Gerold syndrome. Last evaluated: 2020-09-23. Review status: criteria provided, single submitter. Criteria: Invitae Variant Classification Sherloc (09022015). Collection method: clinical testing. Allele origin: germline.
Comment: For these reasons, this variant has been classified as Pathogenic. Loss-of-function variants in RECQL4 are known to be pathogenic (PMID: 12734318, 12952869). This variant has not been reported in the literature in individuals with RECQL4-related conditions. This variant is not present in population databases (ExAC no frequency). This sequence change creates a premature translational stop signal (p.Tyr877*) in the RECQL4 gene. It is expected to result in an absent or disrupted protein product.

Literature cited by the submitters: PubMed 12734318; PubMed 12952869.